The following is an entry in ClinVar:

ClinVar aggregate classification (germline): Pathogenic (1 of 4 stars; one submission).

Conditions:
Renal cysts and diabetes syndrome (RCAD). Also called: Familial hypoplastic, glomerulocystic kidney; MATURITY-ONSET DIABETES OF THE YOUNG, TYPE 5. Identifiers: Orphanet 93111, MedGen C0431693, MONDO:0007669, OMIM 137920.

Submission:

Institute of Human Genetics, FAU Erlangen, Friedrich-Alexander-Universität Erlangen-Nürnberg
Classification: Pathogenic for Renal cysts and diabetes syndrome. Last evaluated: 2019-07-06. Review status: criteria provided, single submitter. Criteria: ACMG Guidelines, 2015. Collection method: literature only. Allele origin: germline. Affected: yes.
Comment: This variant and it's classification has been reported by Vasileiou et al. 2019; DOI:10.1101/576918. The variants has previously been reported in PMID:29406598 as "c.1429C>T p.Q477Ter" with clinical significance Pathogenic. It has been re-classified using InterVar and manual curation as Pathogenic based on PVS1 PM2 PP3.

Literature cited by the submitters: PubMed 29406598; DOI 10.1101/576918.

NM_000458.4(HNF1B):c.1429C>T (p.Gln477Ter)

Gene: HNF1B (HNF1 homeobox B; minus strand). Cytogenetic location: 17q12.
Variant type: single nucleotide variant.
Coding change: c.1429C>T on transcript NM_000458.4 (MANE Select); coding-DNA position 1429, C replaced by T.
Protein change: p.Gln477Ter; replaces glutamine 477 with a stop codon.
Molecular consequence: nonsense. On other transcripts: intron variant (1).
Genome position (GRCh38, 1-based): chr17:37,701,088, G>A on the plus strand (C>T on the coding strand, the complement: HNF1B is on the minus strand). VCF-style: chr17-37701088-G-A. GRCh37 (hg19) VCF-style: chr17-36061093-G-A.
Other names: c.1351C>T, p.Gln451Ter (NM_001165923.4); c.1261+3829C>T (NM_001304286.2); short protein forms Q477*, Q451*.
Identifiers: ClinVar variation 635583 (VCV000635583.1), dbSNP rs1362937677, ClinGen allele CA398755551.